The following is an entry in ClinVar:

ClinVar aggregate classification (germline): Uncertain significance. Review status: criteria provided, multiple submitters, no conflicts (2 of 4 stars). 2 submissions from 2 submitters: Uncertain significance (2). Last evaluated 2022-06-14.

Conditions:
Neonatal-onset encephalopathy with rigidity and seizures. Also called: Lethal neonatal spasticity-epileptic encephalopathy syndrome. Identifiers: Orphanet 435845, MedGen C3281029, MONDO:0013784, OMIM 614498.

Allele frequency attached by ClinVar (database versions not stated): TOPMed 0.00001; gnomAD exomes 0.00002.
gnomAD v4.1: 27 of 1,612,772 alleles (0.0017%); highest among the groups gnomAD compares: South Asian, 0.0033%; no homozygotes.

Submissions (2):

Labcorp Genetics (formerly Invitae), Labcorp
Classification: Uncertain significance for Neonatal-onset encephalopathy with rigidity and seizures. Last evaluated: 2022-06-14. Review status: criteria provided, single submitter. Criteria: Invitae Variant Classification Sherloc (09022015). Collection method: clinical testing. Allele origin: germline.
Comment: This sequence change replaces threonine, which is neutral and polar, with methionine, which is neutral and non-polar, at codon 344 of the BRAT1 protein (p.Thr344Met). This variant is not present in population databases (gnomAD no frequency). This variant has not been reported in the literature in individuals affected with BRAT1-related conditions. ClinVar contains an entry for this variant (Variation ID: 1031212). Algorithms developed to predict the effect of missense changes on protein structure and function output the following: SIFT: "Deleterious"; PolyPhen-2: "Benign"; Align-GVGD: "Class C0". The methionine amino acid residue is found in multiple mammalian species, which suggests that this missense change does not adversely affect protein function. In summary, the available evidence is currently insufficient to determine the role of this variant in disease. Therefore, it has been classified as a Variant of Uncertain Significance.

Baylor Genetics
Classification: Uncertain significance for Neonatal-onset encephalopathy with rigidity and seizures. Last evaluated: 2020-10-21. Review status: criteria provided, single submitter. Criteria: ACMG Guidelines, 2015. Collection method: clinical testing. Allele origin: unknown. Affected: yes.
Comment: This variant was determined to be of uncertain significance according to ACMG Guidelines, 2015 [PMID:25741868].

NM_152743.4(BRAT1):c.1031C>T (p.Thr344Met)

Gene: BRAT1 (BRCA1 associated ATM activator 1; minus strand). Cytogenetic location: 7p22.3.
Variant type: single nucleotide variant.
Coding change: c.1031C>T on transcript NM_152743.4 (MANE Select); coding-DNA position 1031, C replaced by T.
Protein change: p.Thr344Met; replaces threonine 344 with methionine.
Molecular consequence: missense variant. On other transcripts: non-coding transcript variant (1).
Genome position (GRCh38, 1-based): chr7:2,541,821, G>A on the plus strand (C>T on the coding strand, the complement: BRAT1 is on the minus strand). VCF-style: chr7-2541821-G-A. GRCh37 (hg19) VCF-style: chr7-2581455-G-A.
Other names: c.1031C>T, p.Thr344Met (NM_001350626.2); c.506C>T, p.Thr169Met (NM_001350627.2); short protein forms T169M, T344M.
Identifiers: ClinVar variation 1031212 (VCV001031212.3), dbSNP rs371239207, ClinGen allele CA152667728.
Genomic context (GRCh38, chr7:2,541,821, plus strand): 5'-AGGCCGGCGCAGGACGACTTGGAGGCCAGGAGTGTGTCCACCGTCGTGGCATCGTCTGCC[G>A]TCCCGTCCAGCAAGCCTGGGGGCCAAGCCAGGAAGAGCTCCCTTAGAGAGCACTTCAGCC-3'
Protein context (NP_689956.2, residues 334-354): APGPPGLLDG[Thr344Met]ADDATTVDTL